The following is an entry in ClinVar:

NM_002693.3(POLG):c.1480G>A (p.Glu494Lys)

Gene: POLG (DNA polymerase gamma, catalytic subunit; minus strand). Cytogenetic location: 15q26.1.
Variant type: single nucleotide variant.
Coding change: c.1480G>A on transcript NM_002693.3 (MANE Select); coding-DNA position 1480, G replaced by A.
Protein change: p.Glu494Lys; replaces glutamic acid 494 with lysine.
Molecular consequence: missense variant.
Genome position (GRCh38, 1-based): chr15:89,327,017, C>T on the plus strand (G>A on the coding strand, the complement: POLG is on the minus strand). VCF-style: chr15-89327017-C-T. GRCh37 (hg19) VCF-style: chr15-89870248-C-T.
Other names: c.1480G>A, p.Glu494Lys (NM_001126131.2); short protein forms E494K.
Identifiers: ClinVar variation 3636642 (VCV003636642.2).
Genomic context (GRCh38, chr15:89,327,017, plus strand): 5'-GCAACTTGCTGGCTGTGGCTGGTTCCTTCTTCACCTTCTTAGCTTTCTTCTGCTTAAATT[C>T]TTGCAGGTCCCACTCCAGGTCCCAGAGCCAGGGGTCTTCTTTGTACCTACAGAGCCAGTC-3'
Protein context (NP_002684.1, residues 484-504): WLWDLEWDLQ[Glu494Lys]FKQKKAKKVK

ClinVar aggregate classification (germline): Uncertain significance (1 of 4 stars; one submission).

Conditions:
Progressive sclerosing poliodystrophy (MTDPS4A). Also called: ALPERS PROGRESSIVE INFANTILE POLIODYSTROPHY; NEURONAL DEGENERATION OF CHILDHOOD WITH LIVER DISEASE, PROGRESSIVE; Alpers Syndrome; ALPERS DIFFUSE DEGENERATION OF CEREBRAL GRAY MATTER WITH HEPATIC CIRRHOSIS; Alpers-Huttenlocher Syndrome; Mitochondrial DNA depletion syndrome 4A (Alpers type). Identifiers: Orphanet 726, MedGen C0205710, MONDO:0008758, OMIM 203700.

Submission:

Labcorp Genetics (formerly Invitae), Labcorp
Classification: Uncertain significance for Progressive sclerosing poliodystrophy. Last evaluated: 2024-11-14. Review status: criteria provided, single submitter. Criteria: Invitae Variant Classification Sherloc (09022015). Collection method: clinical testing. Allele origin: germline.
Comment: This sequence change replaces glutamic acid, which is acidic and polar, with lysine, which is basic and polar, at codon 494 of the POLG protein (p.Glu494Lys). This variant is not present in population databases (gnomAD no frequency). This variant has not been reported in the literature in individuals affected with POLG-related conditions. Invitae Evidence Modeling of protein sequence and biophysical properties (such as structural, functional, and spatial information, amino acid conservation, physicochemical variation, residue mobility, and thermodynamic stability) indicates that this missense variant is expected to disrupt POLG protein function with a positive predictive value of 95%. In summary, the available evidence is currently insufficient to determine the role of this variant in disease. Therefore, it has been classified as a Variant of Uncertain Significance.